The following is an entry in ClinVar:

NM_000238.4(KCNH2):c.344T>G (p.Val115Gly)

Gene: KCNH2 (potassium voltage-gated channel subfamily H member 2; minus strand). Cytogenetic location: 7q36.1.
Variant type: single nucleotide variant.
Coding change: c.344T>G on transcript NM_000238.4 (MANE Select); coding-DNA position 344, T replaced by G.
Protein change: p.Val115Gly; replaces valine 115 with glycine.
Molecular consequence: missense variant.
Genome position (GRCh38, 1-based): chr7:150,959,700, A>C on the plus strand (T>G on the coding strand, the complement: KCNH2 is on the minus strand). VCF-style: chr7-150959700-A-C. GRCh37 (hg19) VCF-style: chr7-150656788-A-C.
Other names: p.V115G:GTG>GGG; c.56T>G, p.Val19Gly (NM_001406753.1, NM_001406756.1); c.167T>G, p.Val56Gly (NM_001406755.1); c.44T>G, p.Val15Gly (NM_001406757.1); c.344T>G, p.Val115Gly (NM_172056.3); short protein forms V115G, V15G, V19G, V56G.
Identifiers: ClinVar variation 200276 (VCV000200276.4), dbSNP rs794728351, ClinGen allele CA008322.
Genomic context (GRCh38, chr7:150,959,700, plus strand): 5'-TTCTCCATCACCACCTCGAAATTGAGGATGAACATGATGACAGCCCCATCCTCGTTCTTC[A>C]CGGGCACCACATCCACCAGACATAGGAAGCAGCTCCCTGCAGAGTGGGAGGACATAGCCC-3'
Protein context (NP_000229.1, residues 105-125): CFLCLVDVVP[Val115Gly]KNEDGAVIMF

ClinVar aggregate classification (germline): Pathogenic (1 of 4 stars; one submission).

Submission:

GeneDx
Classification: Pathogenic. Last evaluated: 2014-04-10. Review status: criteria provided, single submitter. Criteria: GeneDx Variant Classification (06012015). Collection method: clinical testing. Allele origin: germline. Affected: yes.
Comment: p.Val115Gly (GTG>GGG): c.344 T>G in exon 3 of the KCNH2 gene (NM_000238.2). While the V115G mutation in the KCNH2 gene has not been reported to our knowledge as benign polymorphism, a mutation affecting this same residue, V115M, has been reported in association with LQTS (Nagaoka I et al., 2008). Additionally, mutations in nearby residues (D111V, P114S, M124R, M124T) have been reported in association with LQTS, further supporting the functional importance of this residue and this region of the protein. V115G results in a conservative amino acid substitution, which is not likely to impact secondary protein structure as these residues share similar properties. However, this substitution occurs at a position that is conserved across species. In silico algorithms are not consistent in their predictions but at least two concur that V115G is possibly damaging to the protein structure/function. Furthermore, V115G was not observed in approximately 6,500 individuals of European and African American ancestry in the NHLBI Exome Sequencing Project, indicating it is not a common benign variant in these populations.In summary, V115G in the KCNH2 gene is interpreted as a likely disease-causing mutation. The variant is found in LQT panel(s).